The following is an entry in ClinVar:

NM_138295.5(PKD1L1):c.3785-7C>T

Gene: PKD1L1 (polycystin 1 like 1, transient receptor potential channel interacting; minus strand). Cytogenetic location: 7p12.3.
Variant type: single nucleotide variant.
Coding change: c.3785-7C>T on transcript NM_138295.5 (MANE Select); 7 bases into the intron before coding-DNA position 3785, C replaced by T.
Molecular consequence: intron variant.
Genome position (GRCh38, 1-based): chr7:47,874,017, G>A on the plus strand (C>T on the coding strand, the complement: PKD1L1 is on the minus strand). VCF-style: chr7-47874017-G-A. GRCh37 (hg19) VCF-style: chr7-47913615-G-A.
Other names: c.3785-7C>T (NM_138295.3).
Identifiers: ClinVar variation 1278772 (VCV001278772.11), dbSNP rs17131867, ClinGen allele CA4253306.

ClinVar aggregate classification (germline): Benign. Review status: criteria provided, multiple submitters, no conflicts (2 of 4 stars). 5 submissions from 5 submitters: Benign (4). 1 of the submissions does not count toward it. Last evaluated 2026-02-03.

Conditions:
Heterotaxy, visceral, 8, autosomal (HTX8). Identifiers: MedGen C4310668, MONDO:0014967, OMIM 617205.
PKD1L1-related disorder. Also called: PKD1L1-related condition.

Allele frequency attached by ClinVar (database versions not stated): gnomAD exomes 0.28725 and 0.27927; 1000 Genomes Project 30x 0.31184; TOPMed 0.32720; gnomAD 0.32980 and 0.32539; 1000 Genomes Project 0.30431; ExAC 0.30433; ESP Exome Variant Server 0.32885.
gnomAD v4.1: 444,905 of 1,567,338 alleles (28%); highest among the groups gnomAD compares: African/African-American, 44%; 66,096 homozygotes.

Submissions (5):

Labcorp Genetics (formerly Invitae), Labcorp
Classification: Benign. Last evaluated: 2026-02-03. Review status: criteria provided, single submitter. Criteria: Invitae Variant Classification Sherloc (09022015). Collection method: clinical testing. Allele origin: germline.

Genome-Nilou Lab
Classification: Benign for Heterotaxy, visceral, 8, autosomal. Last evaluated: 2021-09-05. Review status: criteria provided, single submitter. Criteria: ACMG Guidelines, 2015. Collection method: clinical testing. Allele origin: germline. Affected: no.

GeneDx
Classification: Benign. Last evaluated: 2021-06-09. Review status: criteria provided, single submitter. Criteria: GeneDx Variant Classification Process June 2021. Collection method: clinical testing. Allele origin: germline. Affected: yes.

Breakthrough Genomics
Classification: Benign. Review status: criteria provided, single submitter. Criteria: ACMG Guidelines, 2015. Collection method: not provided. Allele origin: germline. Inheritance: Autosomal recessive inheritance. Affected: yes.

PreventionGenetics, part of Exact Sciences
Classification: Benign for PKD1L1-related condition. Last evaluated: 2019-03-29. Review status: no assertion criteria provided. Collection method: clinical testing. Allele origin: germline. Not counted in ClinVar's aggregate classification.
Comment: This variant is classified as benign based on ACMG/AMP sequence variant interpretation guidelines (Richards et al. 2015 PMID: 25741868, with internal and published modifications).